The following is an entry in ClinVar:

NM_000059.4(BRCA2):c.5293A>G (p.Lys1765Glu)

Gene: BRCA2 (BRCA2 DNA repair associated; plus strand). Cytogenetic location: 13q13.1.
Variant type: single nucleotide variant.
Coding change: c.5293A>G on transcript NM_000059.4 (MANE Select); coding-DNA position 5293, A replaced by G.
Protein change: p.Lys1765Glu; replaces lysine 1765 with glutamic acid.
Molecular consequence: missense variant.
Genome position (GRCh38, 1-based): chr13:32,339,648, A>G. VCF-style: chr13-32339648-A-G. GRCh37 (hg19) VCF-style: chr13-32913785-A-G.
Other names: short protein forms K1765E.
Identifiers: ClinVar variation 628335 (VCV000628335.18), dbSNP rs879255458, ClinGen allele CA387784792.
Genomic context (GRCh38, chr13:32,339,648, plus strand): 5'-ATGTCTAACAGCTATTCCTACCATTCTGATGAGGTATATAATGATTCAGGATATCTCTCA[A>G]AAAATAAACTTGATTCTGGTATTGAGCCAGTATTGAAGAATGTTGAAGATCAAAAAAACA-3'
Protein context (NP_000050.3, residues 1755-1775): EVYNDSGYLS[Lys1765Glu]NKLDSGIEPV

ClinVar aggregate classification (germline): Conflicting classifications of pathogenicity. Review status: criteria provided, conflicting classifications (1 of 4 stars). 4 submissions from 4 submitters: Uncertain significance (3); Likely benign (1). Last evaluated 2026-05-18.

Conditions:
Hereditary breast ovarian cancer syndrome. Also called: Hereditary breast and ovarian cancer; Hereditary breast and ovarian cancer syndrome (HBOC); Hereditary breast and ovarian cancer syndrome; Breast and ovarian cancer; Hereditary breast and/or ovarian cancer syndrome; BRCA1- and BRCA2-Associated Hereditary Breast and Ovarian Cancer. Identifiers: Orphanet 145, MedGen C0677776, MeSH D061325, MONDO:0003582. Disease mechanism: loss of function.
Hereditary cancer-predisposing syndrome. Also called: Tumor predisposition; Hereditary Cancer Syndrome; Neoplastic Syndromes, Hereditary; Hereditary neoplastic syndrome. Identifiers: Orphanet 140162, MedGen C0027672, MeSH D009386, MONDO:0015356.

Submissions (4):

Ambry Genetics
Classification: Uncertain significance for Hereditary cancer-predisposing syndrome. Last evaluated: 2026-05-18. Review status: criteria provided, single submitter. Criteria: Ambry Variant Classification Scheme 2023. Collection method: clinical testing. Allele origin: germline.
Comment: The p.K1765E variant (also known as c.5293A>G), located in coding exon 10 of the BRCA2 gene, results from an A to G substitution at nucleotide position 5293. The lysine at codon 1765 is replaced by glutamic acid, an amino acid with similar properties. This amino acid position is not well conserved in available vertebrate species. In addition, this alteration is predicted to be tolerated by in silico analysis. Based on the available evidence, the clinical significance of this variant remains unclear.

Labcorp Genetics (formerly Invitae), Labcorp
Classification: Uncertain significance for Hereditary breast ovarian cancer syndrome. Last evaluated: 2025-08-11. Review status: criteria provided, single submitter. Criteria: Invitae Variant Classification Sherloc (09022015). Collection method: clinical testing. Allele origin: germline.
Comment: This sequence change replaces lysine, which is basic and polar, with glutamic acid, which is acidic and polar, at codon 1765 of the BRCA2 protein (p.Lys1765Glu). This variant is not present in population databases (gnomAD no frequency). This variant has not been reported in the literature in individuals affected with BRCA2-related conditions. ClinVar contains an entry for this variant (Variation ID: 628335). Invitae Evidence Modeling of protein sequence and biophysical properties (such as structural, functional, and spatial information, amino acid conservation, physicochemical variation, residue mobility, and thermodynamic stability) indicates that this missense variant is not expected to disrupt BRCA2 protein function with a negative predictive value of 95%. In summary, the available evidence is currently insufficient to determine the role of this variant in disease. Therefore, it has been classified as a Variant of Uncertain Significance.

University of Washington Department of Laboratory Medicine, University of Washington
Classification: Likely benign for Hereditary cancer-predisposing syndrome. Last evaluated: 2023-03-23. Review status: criteria provided, single submitter. Criteria: Dines et al. (Genet Med. 2020). Collection method: curation. Allele origin: germline.
Comment: Missense variant in a coldspot region where missense variants are very unlikely to be pathogenic (PMID:31911673).

BRCA2 exon 11 coldspot. Reclassification based on statistical prior probability.

Color Diagnostics, LLC DBA Color Health
Classification: Uncertain significance for Hereditary cancer-predisposing syndrome. Last evaluated: 2019-05-23. Review status: criteria provided, single submitter. Criteria: ACMG Guidelines, 2015. Collection method: clinical testing. Allele origin: germline.